The following is an entry in ClinVar:

NM_032444.4(SLX4):c.2145G>A (p.Pro715=)

Gene: SLX4 (SLX4 structure-specific endonuclease subunit; minus strand). Cytogenetic location: 16p13.3.
Variant type: single nucleotide variant.
Coding change: c.2145G>A on transcript NM_032444.4 (MANE Select); coding-DNA position 2145, G replaced by A.
Protein change: p.Pro715=; no amino-acid change (proline 715 retained).
Molecular consequence: synonymous variant.
Genome position (GRCh38, 1-based): chr16:3,594,468, C>T on the plus strand (G>A on the coding strand, the complement: SLX4 is on the minus strand). VCF-style: chr16-3594468-C-T. GRCh37 (hg19) VCF-style: chr16-3644469-C-T.
Identifiers: ClinVar variation 2883030 (VCV002883030.5), dbSNP rs773209008, ClinGen allele CA7866279.

ClinVar aggregate classification (germline): Likely benign. Review status: criteria provided, multiple submitters, no conflicts (2 of 4 stars). 2 submissions from 2 submitters: Likely benign (2). Last evaluated 2026-05-01.

Conditions:
Fanconi anemia (FA). Also called: Fanconi's anemia. Identifiers: Orphanet 84, MedGen C0015625, MeSH D005199, MONDO:0019391.

Allele frequency attached by ClinVar (database versions not stated): TOPMed below 0.00001; ExAC 0.00001; gnomAD exomes 0.00001.
gnomAD v4.1: 9 of 1,613,166 alleles (0.00056%); highest among the groups gnomAD compares: Admixed American, 0.0017%; no homozygotes.

Submissions (2):

CeGaT Center for Human Genetics Tuebingen
Classification: Likely benign. Last evaluated: 2026-05-01. Review status: criteria provided, single submitter. Criteria: CeGaT Center For Human Genetics Tuebingen Variant Classification Criteria Version 2. Collection method: clinical testing. Allele origin: germline. Affected: yes. Observed: 1 variant allele.
Comment: SLX4: BP4, BP7

Labcorp Genetics (formerly Invitae), Labcorp
Classification: Likely benign for Fanconi anemia. Last evaluated: 2025-03-20. Review status: criteria provided, single submitter. Criteria: Invitae Variant Classification Sherloc (09022015). Collection method: clinical testing. Allele origin: germline.